The following is an entry in ClinVar:

NM_000059.4(BRCA2):c.2072del (p.Ala691fs)

Gene: BRCA2 (BRCA2 DNA repair associated; plus strand). Cytogenetic location: 13q13.1.
Variant type: Deletion.
Coding change: c.2072del on transcript NM_000059.4 (MANE Select); coding-DNA position 2072, one base deleted (C; older notation c.2072delC).
Protein change: p.Ala691fs; shifts the reading frame from alanine 691.
Molecular consequence: frameshift variant. On other transcripts: non-coding transcript variant (1), intron variant (2).
Genome position (GRCh38, 1-based): chr13:32,336,427, C deleted. VCF-style (leftmost placement, unchanged base first): chr13-32336426-GC-G. GRCh37 (hg19) VCF-style: chr13-32910563-GC-G.
Other names: c.2072del, p.Ala691fs (NM_001406719.1, NM_001406720.1, NM_001432077.1); c.1909+3040del (NM_001406721.1); c.424+5397del (NM_001406722.1); short protein forms A691fs.
Identifiers: ClinVar variation 3773518 (VCV003773518.1).

ClinVar aggregate classification (germline): Pathogenic (1 of 4 stars; one submission).

Conditions:
Breast-ovarian cancer, familial, susceptibility to, 2 (BROVCA2). Also called: BRCA2 Hereditary Breast and Ovarian Cancer. Identifiers: Orphanet 145, MedGen C2675520, MONDO:0012933, OMIM 612555. Disease mechanism: loss of function.

Submission:

Myriad Genetics, Inc.
Classification: Pathogenic for Breast-ovarian cancer, familial, susceptibility to, 2. Last evaluated: 2024-11-06. Review status: criteria provided, single submitter. Criteria: Myriad Autosomal Dominant, Autosomal Recessive and X-Linked Classification Criteria (2023). Collection method: clinical testing. Allele origin: unknown.
Comment: This variant is considered pathogenic. This variant creates a frameshift predicted to result in premature protein truncation.